The following is an entry in ClinVar:

NM_001378454.1(ALMS1):c.6770A>G (p.Lys2257Arg)

Gene: ALMS1 (ALMS1 centrosome and basal body associated protein; plus strand). Cytogenetic location: 2p13.1.
Variant type: single nucleotide variant.
Coding change: c.6770A>G on transcript NM_001378454.1 (MANE Select); coding-DNA position 6770, A replaced by G.
Protein change: p.Lys2257Arg; replaces lysine 2257 with arginine.
Molecular consequence: missense variant.
Genome position (GRCh38, 1-based): chr2:73,453,297, A>G. VCF-style: chr2-73453297-A-G. GRCh37 (hg19) VCF-style: chr2-73680424-A-G.
Other names: c.6773A>G, p.Lys2258Arg (NM_015120.4); short protein forms K2258R, K2257R.
Identifiers: ClinVar variation 2059310 (VCV002059310.4), dbSNP rs2466110156, ClinGen allele CA347289313.

ClinVar aggregate classification (germline): Uncertain significance (1 of 4 stars; one submission).

Conditions:
Alstrom syndrome (ALMS). Identifiers: Orphanet 64, MedGen C0268425, MONDO:0008763, OMIM 203800.

Allele frequency attached by ClinVar (database versions not stated): gnomAD exomes below 0.00001.
gnomAD v4.1: 1 of 1,613,992 alleles (0.000062%); highest among the groups gnomAD compares: Admixed American, 0.0017%; no homozygotes.

Submission:

Labcorp Genetics (formerly Invitae), Labcorp
Classification: Uncertain significance for Alstrom syndrome. Last evaluated: 2024-10-25. Review status: criteria provided, single submitter. Criteria: Invitae Variant Classification Sherloc (09022015). Collection method: clinical testing. Allele origin: germline.
Comment: This sequence change replaces lysine, which is basic and polar, with arginine, which is basic and polar, at codon 2258 of the ALMS1 protein (p.Lys2258Arg). This variant is not present in population databases (gnomAD no frequency). This variant has not been reported in the literature in individuals affected with ALMS1-related conditions. ClinVar contains an entry for this variant (Variation ID: 2059310). Experimental studies and prediction algorithms are not available or were not evaluated, and the functional significance of this variant is currently unknown. In summary, the available evidence is currently insufficient to determine the role of this variant in disease. Therefore, it has been classified as a Variant of Uncertain Significance.